The following is an entry in ClinVar:

ClinVar aggregate classification (germline): Uncertain significance. Review status: criteria provided, single submitter (1 of 4 stars). 2 submissions from 2 submitters: Uncertain significance (1). 1 of the submissions does not count toward it. Last evaluated 2025-11-13.

Conditions:
Inborn genetic diseases. Identifiers: MedGen C0950123, MeSH D030342.
TRIO-related disorder. Also called: TRIO-related condition; TRIO-related disorders.

gnomAD v4.1: 14 of 1,614,058 alleles (0.00087%); highest among the groups gnomAD compares: African/African-American, 0.0027%; no homozygotes.

Submissions (2):

Ambry Genetics
Classification: Uncertain significance for Inborn genetic diseases. Last evaluated: 2025-11-13. Review status: criteria provided, single submitter. Criteria: Ambry Variant Classification Scheme 2023. Collection method: clinical testing. Allele origin: germline.

PreventionGenetics, part of Exact Sciences
Classification: Uncertain significance for TRIO-related condition. Last evaluated: 2024-08-01. Review status: no assertion criteria provided. Collection method: clinical testing. Allele origin: germline. Not counted in ClinVar's aggregate classification.
Comment: The TRIO c.8965G>A variant is predicted to result in the amino acid substitution p.Val2989Met. To our knowledge, this variant has not been reported in the literature. This variant is reported in 0.0040% of alleles in individuals of African descent in gnomAD. At this time, the clinical significance of this variant is uncertain due to the absence of conclusive functional and genetic evidence.

NM_007118.4(TRIO):c.8965G>A (p.Val2989Met)

Gene: TRIO (trio Rho guanine nucleotide exchange factor; plus strand). Cytogenetic location: 5p15.2.
Variant type: single nucleotide variant.
Coding change: c.8965G>A on transcript NM_007118.4 (MANE Select); coding-DNA position 8965, G replaced by A.
Protein change: p.Val2989Met; replaces valine 2989 with methionine.
Molecular consequence: missense variant. On other transcripts: non-coding transcript variant (1).
Genome position (GRCh38, 1-based): chr5:14,508,093, G>A. VCF-style: chr5-14508093-G-A. GRCh37 (hg19) VCF-style: chr5-14508202-G-A.
Other names: c.8965G>A (NM_007118.2); short protein forms V2989M.
Identifiers: ClinVar variation 3352087 (VCV003352087.2).